The following is an entry in ClinVar:

NM_014797.3(ZBTB24):c.433_434del (p.Ala145fs)

Gene: ZBTB24 (zinc finger and BTB domain containing 24; minus strand). Cytogenetic location: 6q21.
Variant type: Deletion.
Coding change: c.433_434del on transcript NM_014797.3 (MANE Select); coding-DNA positions 433 to 434, 2 bases deleted (GC; older notation c.433_434delGC).
Protein change: p.Ala145fs; shifts the reading frame from alanine 145.
Molecular consequence: frameshift variant.
Genome position (GRCh38, 1-based): chr6:109,481,593-109,481,594, GC deleted on the plus strand (GC on the coding strand, the reverse complement: ZBTB24 is on the minus strand). VCF-style (leftmost placement, unchanged base first): chr6-109481592-GGC-G. GRCh37 (hg19) VCF-style: chr6-109802795-GGC-G.
Other names: c.433_434del (NM_014797.2); c.433_434del, p.Ala145fs (NM_001164313.2); c.433_434delGC, p.Ala145Profs (NM_014797.2); short protein forms A145fs.
Identifiers: ClinVar variation 3609158 (VCV003609158.3).

ClinVar aggregate classification (germline): Pathogenic. Review status: criteria provided, multiple submitters, no conflicts (2 of 4 stars). 2 submissions from 2 submitters: Pathogenic (2). Last evaluated 2026-03-03.

Conditions:
Immunodeficiency-centromeric instability-facial anomalies syndrome 2 (ICF2). Identifiers: Orphanet 2268, MedGen C3279748, MONDO:0013553, OMIM 614069.

Submissions (2):

GeneDx
Classification: Pathogenic. Last evaluated: 2026-03-03. Review status: criteria provided, single submitter. Criteria: GeneDx Variant Classification Process June 2021. Collection method: clinical testing. Allele origin: germline.
Comment: Frameshift variant predicted to result in protein truncation or nonsense mediated decay in a gene for which loss of function is a known mechanism of disease; Not observed at significant frequency in large population cohorts (gnomAD); This variant is associated with the following publications: (PMID: 32061411)

Labcorp Genetics (formerly Invitae), Labcorp
Classification: Pathogenic for Immunodeficiency-centromeric instability-facial anomalies syndrome 2. Last evaluated: 2025-01-19. Review status: criteria provided, single submitter. Criteria: Invitae Variant Classification Sherloc (09022015). Collection method: clinical testing. Allele origin: germline.
Comment: This sequence change creates a premature translational stop signal (p.Ala145Profs*7) in the ZBTB24 gene. It is expected to result in an absent or disrupted protein product. Loss-of-function variants in ZBTB24 are known to be pathogenic (PMID: 21596365). This variant is not present in population databases (gnomAD no frequency). This premature translational stop signal has been observed in individual(s) with clinical features of ZBTB24-related conditions (PMID: 32061411). For these reasons, this variant has been classified as Pathogenic.

Literature cited by the submitters: PubMed 21596365 (cited by Labcorp Genetics (formerly Invitae), Labcorp); PubMed 32061411 (cited by Labcorp Genetics (formerly Invitae), Labcorp).